The following is an entry in ClinVar:

ClinVar aggregate classification (germline): Pathogenic. Review status: criteria provided, multiple submitters, no conflicts (2 of 4 stars). 2 submissions from 2 submitters: Pathogenic (2). Last evaluated 2025-07-21.

Conditions:
Familial adenomatous polyposis 1 (FAP1). Also called: FAMILIAL ADENOMATOUS POLYPOSIS 1, ATTENUATED; POLYPOSIS, ADENOMATOUS INTESTINAL. Identifiers: MedGen C2713442, MONDO:0021056, OMIM 175100. Disease mechanism: loss of function.
Hereditary cancer-predisposing syndrome. Also called: Tumor predisposition; Hereditary Cancer Syndrome; Hereditary neoplastic syndrome; Neoplastic Syndromes, Hereditary. Identifiers: Orphanet 140162, MedGen C0027672, MeSH D009386, MONDO:0015356.

Submissions (2):

Labcorp Genetics (formerly Invitae), Labcorp
Classification: Pathogenic for Familial adenomatous polyposis 1. Last evaluated: 2025-07-21. Review status: criteria provided, single submitter. Criteria: Invitae Variant Classification Sherloc (09022015). Collection method: clinical testing. Allele origin: germline.
Comment: This sequence change creates a premature translational stop signal (p.Ser1081Hisfs*2) in the APC gene. While this is not anticipated to result in nonsense mediated decay, it is expected to disrupt the last 1763 amino acid(s) of the APC protein. This variant is not present in population databases (gnomAD no frequency). This premature translational stop signal has been observed in individual(s) with familial adenomatous polyposis (FAP) (PMID: 9375853, 17064931). This variant is also known as 3239delAG (T1082X). This variant is expected to disrupt the EB1 and HDLG binding sites, which mediate interactions with the cytoskeleton (PMID: 15311282, 17293347). While functional studies have not been performed to directly test the effect on APC protein function, this suggests that disruption of the C-terminal portion of the protein is functionally important. A different truncation (p.Tyr2645Lysfs*14) that lies downstream of this variant has been determined to be pathogenic (PMID: 9824584, 1316610, 27081525, 8381579, 22135120, internal data). This suggests that deletion of this region of the APC protein is causative of disease. For these reasons, this variant has been classified as Pathogenic.

Ambry Genetics
Classification: Pathogenic for Hereditary cancer-predisposing syndrome. Last evaluated: 2020-09-24. Review status: criteria provided, single submitter. Criteria: Ambry Variant Classification Scheme 2023. Collection method: clinical testing. Allele origin: germline.
Comment: The c.3241_3242delAG pathogenic mutation, located in coding exon 15 of the APC gene, results from a deletion of two nucleotides at nucleotide positions 3241 to 3242, causing a translational frameshift with a predicted alternate stop codon (p.S1081Hfs*2). In addition to the clinical data presented in the literature, this alteration is expected to result in loss of function by premature protein truncation. As such, this alteration is interpreted as a disease-causing mutation.

Literature cited by the submitters: PubMed 9375853 (cited by Labcorp Genetics (formerly Invitae), Labcorp and Ambry Genetics); PubMed 17064931 (cited by Labcorp Genetics (formerly Invitae), Labcorp); PubMed 15311282 (cited by Labcorp Genetics (formerly Invitae), Labcorp); PubMed 17293347 (cited by Labcorp Genetics (formerly Invitae), Labcorp); PubMed 9824584 (cited by Labcorp Genetics (formerly Invitae), Labcorp); PubMed 1316610 (cited by Labcorp Genetics (formerly Invitae), Labcorp); PubMed 27081525 (cited by Labcorp Genetics (formerly Invitae), Labcorp); PubMed 8381579 (cited by Labcorp Genetics (formerly Invitae), Labcorp); PubMed 22135120 (cited by Labcorp Genetics (formerly Invitae), Labcorp).

NM_000038.6(APC):c.3241_3242del (p.Ser1081fs)

Gene: APC (APC regulator of Wnt signaling pathway; plus strand). Cytogenetic location: 5q22.2.
Variant type: Microsatellite.
Coding change: c.3241_3242del on transcript NM_000038.6 (MANE Select); coding-DNA positions 3241 to 3242, 2 bases deleted (AG; older notation c.3241_3242delAG).
Protein change: p.Ser1081fs; shifts the reading frame from serine 1081.
Molecular consequence: frameshift variant.
Genome position (GRCh38, 1-based): chr5:112,838,835-112,838,836, AG deleted; deleting any 2 consecutive bases within chr5:112,838,832-112,838,836 gives the same sequence; the c. name uses the placement nearest the transcript's 3' end. VCF-style (leftmost placement, unchanged base first): chr5-112838831-TGA-T. GRCh37 (hg19) VCF-style: chr5-112174528-TGA-T.
Other names: c.3241_3242del, p.Ser1081fs (NM_001127510.3, NM_001354895.2); c.3187_3188del, p.Ser1063fs (NM_001127511.3); c.3295_3296del, p.Ser1099fs (NM_001354896.2); c.3271_3272del, p.Ser1091fs (NM_001354897.2); c.3166_3167del, p.Ser1056fs (NM_001354898.2); c.3157_3158del, p.Ser1053fs (NM_001354899.2); c.3118_3119del, p.Ser1040fs (NM_001354900.2); c.3064_3065del, p.Ser1022fs (NM_001354901.2); and 5 more; short protein forms S1040fs, S1081fs, S990fs, S1053fs, S1056fs, S1091fs, S1099fs, S955fs.
Identifiers: ClinVar variation 411476 (VCV000411476.12), dbSNP rs1060503327, ClinGen allele CA16611603.